The following is an entry in ClinVar:

ClinVar aggregate classification (germline): Benign. Review status: criteria provided, multiple submitters, no conflicts (2 of 4 stars). 2 submissions from 2 submitters: Benign (2). Last evaluated 2018-06-16.

Allele frequency attached by ClinVar (database versions not stated): gnomAD exomes 0.00266; gnomAD 0.02652 and 0.02853; TOPMed 0.03016; 1000 Genomes Project 0.03075; 1000 Genomes Project 30x 0.03248.
gnomAD v4.1: 7,784 of 1,508,986 alleles (0.52%); highest among the groups gnomAD compares: African/African-American, 9.3%; 298 homozygotes.

Submissions (2):

GeneDx
Classification: Benign. Last evaluated: 2018-06-16. Review status: criteria provided, single submitter. Criteria: GeneDx Variant Classification (06012015). Collection method: clinical testing. Allele origin: germline. Affected: yes.
Comment: This variant is considered likely benign or benign based on one or more of the following criteria: it is a conservative change, it occurs at a poorly conserved position in the protein, it is predicted to be benign by multiple in silico algorithms, and/or has population frequency not consistent with disease.

Breakthrough Genomics
Classification: Benign. Review status: criteria provided, single submitter. Criteria: ACMG Guidelines, 2015. Collection method: not provided. Allele origin: germline. Inheritance: Autosomal dominant inheritance. Affected: yes.

NM_016203.4(PRKAG2):c.187-79A>G

Gene: PRKAG2 (protein kinase AMP-activated non-catalytic subunit gamma 2; minus strand). Cytogenetic location: 7q36.1.
Variant type: single nucleotide variant.
Coding change: c.187-79A>G on transcript NM_016203.4 (MANE Select); 79 bases into the intron before coding-DNA position 187, A replaced by G.
Molecular consequence: intron variant.
Genome position (GRCh38, 1-based): chr7:151,781,510, T>C on the plus strand (A>G on the coding strand, the complement: PRKAG2 is on the minus strand). VCF-style: chr7-151781510-T-C. GRCh37 (hg19) VCF-style: chr7-151478596-T-C.
Other names: c.55-79A>G (NM_001040633.2).
Identifiers: ClinVar variation 674189 (VCV000674189.2), dbSNP rs73728290, ClinGen allele CA12656980.